The following is an entry in ClinVar:

NM_001042492.3(NF1):c.5020G>A (p.Val1674Ile)

Gene: NF1 (neurofibromin 1; plus strand). Cytogenetic location: 17q11.2.
Variant type: single nucleotide variant.
Coding change: c.5020G>A on transcript NM_001042492.3 (MANE Select); coding-DNA position 5020, G replaced by A.
Protein change: p.Val1674Ile; replaces valine 1674 with isoleucine.
Molecular consequence: missense variant.
Genome position (GRCh38, 1-based): chr17:31,326,004, G>A. VCF-style: chr17-31326004-G-A. GRCh37 (hg19) VCF-style: chr17-29653022-G-A.
Other names: c.4957G>A, p.Val1653Ile (NM_000267.4); short protein forms V1653I, V1674I.
Identifiers: ClinVar variation 485969 (VCV000485969.19), dbSNP rs1555533342, ClinGen allele CA399007333.

ClinVar aggregate classification (germline): Conflicting classifications of pathogenicity. Review status: criteria provided, conflicting classifications (1 of 4 stars). 6 submissions from 6 submitters: Uncertain significance (4); Benign (1). 1 of the submissions does not count toward it. Last evaluated 2025-02-26.

Conditions:
Microcephaly. Also called: Microcephaly (disease). Identifiers: MedGen C4551563, MONDO:0001149, HP:0000252.
Hereditary cancer-predisposing syndrome. Also called: Tumor predisposition; Hereditary Cancer Syndrome; Neoplastic Syndromes, Hereditary; Hereditary neoplastic syndrome. Identifiers: Orphanet 140162, MedGen C0027672, MeSH D009386, MONDO:0015356.
Cardiovascular phenotype. Identifiers: MedGen CN230736.
Neurofibromatosis, type 1 (NF1). Also called: NEUROFIBROMATOSIS, TYPE I, SOMATIC; Peripheral type neurofibromatosis; Neurofibromatosis, type I; VON RECKLINGHAUSEN DISEASE. Identifiers: Orphanet 636, MedGen C0027831, MONDO:0018975, OMIM 162200. Disease mechanism: loss of function.

Allele frequency attached by ClinVar (database versions not stated): gnomAD exomes below 0.00001.
gnomAD v4.1: 4 of 1,614,138 alleles (0.00025%); highest among the groups gnomAD compares: East Asian, 0.0022%; no homozygotes.

Submissions (6):

Quest Diagnostics Nichols Institute San Juan Capistrano
Classification: Uncertain significance. Last evaluated: 2025-02-26. Review status: criteria provided, single submitter. Criteria: Quest Diagnostics criteria. Collection method: clinical testing. Allele origin: unknown.

Ambry Genetics
Classification: Uncertain significance for Cardiovascular phenotype; Hereditary cancer-predisposing syndrome. Last evaluated: 2024-08-15. Review status: criteria provided, single submitter. Criteria: Ambry Variant Classification Scheme 2023. Collection method: clinical testing. Allele origin: germline.
Comment: The p.V1653I variant (also known as c.4957G>A), located in coding exon 36 of the NF1 gene, results from a G to A substitution at nucleotide position 4957. The valine at codon 1653 is replaced by isoleucine, an amino acid with highly similar properties. This amino acid change (designated as p.Val1674Ile) has been identified in one individual with features suggestive of NF1 as well as an affected family member (Tsipi M et al. J. Neurol. Sci., 2018 12;395:95-105). This amino acid position is highly conserved in available vertebrate species. In addition, this alteration is predicted to be tolerated by in silico analysis. Since supporting evidence is limited at this time, the clinical significance of this alteration remains unclear.

Labcorp Genetics (formerly Invitae), Labcorp
Classification: Benign for Neurofibromatosis, type 1. Last evaluated: 2024-07-30. Review status: criteria provided, single submitter. Criteria: Invitae Variant Classification Sherloc (09022015). Collection method: clinical testing. Allele origin: germline.

Blueprint Genetics
Classification: Uncertain significance. Last evaluated: 2023-10-19. Review status: criteria provided, single submitter. Criteria: ACMG Guidelines, 2015. Collection method: clinical testing. Allele origin: germline.

Genome-Nilou Lab
Classification: Uncertain significance for Neurofibromatosis, type 1. Last evaluated: 2022-03-15. Review status: criteria provided, single submitter. Criteria: ACMG Guidelines, 2015. Collection method: clinical testing. Allele origin: germline. Affected: no.

Department of Pediatrics, Samsung Medical Center, Samsung Medical Center
Classification: Uncertain significance for Microcephaly. Review status: no assertion criteria provided. Criteria: ACMG Guidelines, 2015. Collection method: research. Allele origin: germline. Affected: yes. Not counted in ClinVar's aggregate classification.

Literature cited by the submitters: PubMed 30308447 (cited by Ambry Genetics).